The following is an entry in ClinVar:

NM_000346.4(SOX9):c.1482C>T (p.Ser494=)

Gene: SOX9 (SRY-box transcription factor 9; plus strand). Cytogenetic location: 17q24.3.
Variant type: single nucleotide variant.
Coding change: c.1482C>T on transcript NM_000346.4 (MANE Select); coding-DNA position 1482, C replaced by T.
Protein change: p.Ser494=; no amino-acid change (serine 494 retained).
Molecular consequence: synonymous variant.
Genome position (GRCh38, 1-based): chr17:72,124,339, C>T. VCF-style: chr17-72124339-C-T. GRCh37 (hg19) VCF-style: chr17-70120480-C-T.
Identifiers: ClinVar variation 515442 (VCV000515442.10), dbSNP rs189130850, ClinGen allele CA8739169.

ClinVar aggregate classification (germline): Likely benign. Review status: criteria provided, multiple submitters, no conflicts (2 of 4 stars). 2 submissions from 2 submitters: Likely benign (2). Last evaluated 2024-10-08.

Conditions:
Camptomelic dysplasia (CMPD). Also called: CMPD1/SRA1; Campomelic Dysplasia. Identifiers: Orphanet 140, MedGen C1861922, MONDO:0007251, OMIM 114290.

Allele frequency attached by ClinVar (database versions not stated): 1000 Genomes Project 0.00020; 1000 Genomes Project 30x 0.00031.

Submissions (2):

Labcorp Genetics (formerly Invitae), Labcorp
Classification: Likely benign for Camptomelic dysplasia. Last evaluated: 2024-10-08. Review status: criteria provided, single submitter. Criteria: Invitae Variant Classification Sherloc (09022015). Collection method: clinical testing. Allele origin: germline.

GeneDx
Classification: Likely benign. Last evaluated: 2018-02-05. Review status: criteria provided, single submitter. Criteria: GeneDx Variant Classification (06012015). Collection method: clinical testing. Allele origin: germline. Affected: yes.
Comment: This variant is considered likely benign or benign based on one or more of the following criteria: it is a conservative change, it occurs at a poorly conserved position in the protein, it is predicted to be benign by multiple in silico algorithms, and/or has population frequency not consistent with disease.